The following is an entry in ClinVar:

NC_000022.11:g.40346304G>A

Gene: ADSL (adenylosuccinate lyase; plus strand). Cytogenetic location: 22q13.1.
Variant type: single nucleotide variant.
Genome position: GRCh38 VCF-style: chr22-40346304-G-A. GRCh37 (hg19) VCF-style: chr22-40742308-G-A.
Identifiers: ClinVar variation 2123391 (VCV002123391.5), dbSNP rs2518076194, ClinGen allele CA2580099851.

ClinVar aggregate classification (germline): Uncertain significance (1 of 4 stars; one submission).

Conditions:
Adenylosuccinate lyase deficiency (ADSLD). Also called: ADSL DEFICIENCY. Identifiers: Orphanet 46, MedGen C0268126, MONDO:0007068, OMIM 103050.

Submission:

Labcorp Genetics (formerly Invitae), Labcorp
Classification: Uncertain significance for Adenylosuccinate lyase deficiency. Last evaluated: 2022-04-09. Review status: criteria provided, single submitter. Criteria: Invitae Variant Classification Sherloc (09022015). Collection method: clinical testing. Allele origin: germline.
Comment: In summary, the available evidence is currently insufficient to determine the role of this variant in disease. Therefore, it has been classified as a Variant of Uncertain Significance. Experimental studies and prediction algorithms are not available or were not evaluated, and the functional significance of this variant is currently unknown. This variant has not been reported in the literature in individuals affected with ADSL-related conditions. This variant is not present in population databases (gnomAD no frequency). This variant occurs in a non-coding region of the ADSL gene. It does not change the encoded amino acid sequence of the ADSL protein.